The following is an entry in ClinVar:

ClinVar aggregate classification (germline): Uncertain significance (1 of 4 stars; one submission).

Submission:

GeneDx
Classification: Uncertain significance. Last evaluated: 2024-11-07. Review status: criteria provided, single submitter. Criteria: GeneDx Variant Classification Process June 2021. Collection method: clinical testing. Allele origin: germline. Affected: yes.
Comment: Not observed at significant frequency in large population cohorts (gnomAD); In silico analysis supports that this missense variant does not alter protein structure/function; Has not been previously published as pathogenic or benign to our knowledge

NM_001024630.4(RUNX2):c.655G>C (p.Val219Leu)

Gene: RUNX2 (RUNX family transcription factor 2; plus strand). Cytogenetic location: 6p21.1.
Variant type: single nucleotide variant.
Coding change: c.655G>C on transcript NM_001024630.4 (MANE Select); coding-DNA position 655, G replaced by C.
Protein change: p.Val219Leu; replaces valine 219 with leucine.
Molecular consequence: missense variant.
Genome position (GRCh38, 1-based): chr6:45,438,021, G>C. VCF-style: chr6-45438021-G-C. GRCh37 (hg19) VCF-style: chr6-45405758-G-C.
Other names: c.655G>C, p.Val219Leu (NM_001015051.4); c.613G>C, p.Val205Leu (NM_001278478.2, NM_001369405.1); short protein forms V205L, V219L.
Identifiers: ClinVar variation 3371644 (VCV003371644.2).